The following is an entry in ClinVar:

ClinVar aggregate classification (germline): Benign/Likely benign. Review status: criteria provided, multiple submitters, no conflicts (2 of 4 stars). 3 submissions from 3 submitters: Benign (1); Likely benign (2). Last evaluated 2025-02-07.

Conditions:
Colorectal cancer, susceptibility to, 12 (CRCS12). Also called: COLORECTAL CANCER, SUSCEPTIBILITY TO, ON CHROMOSOME 12q24. Identifiers: Orphanet 220460, MedGen C3554460, MONDO:0014038, OMIM 615083.
Hereditary cancer-predisposing syndrome. Also called: Tumor predisposition; Hereditary Cancer Syndrome; Hereditary neoplastic syndrome; Neoplastic Syndromes, Hereditary. Identifiers: Orphanet 140162, MedGen C0027672, MeSH D009386, MONDO:0015356.

Allele frequency attached by ClinVar (database versions not stated): gnomAD exomes below 0.00001.
gnomAD v4.1: 1 of 1,612,812 alleles (0.000062%); highest among the groups gnomAD compares: Admixed American, 0.0017%; no homozygotes.

Submissions (3):

Myriad Genetics, Inc.
Classification: Benign for Colorectal cancer, susceptibility to, 12. Last evaluated: 2025-02-07. Review status: criteria provided, single submitter. Criteria: Myriad Autosomal Dominant, Autosomal Recessive and X-Linked Classification Criteria (2023). Collection method: clinical testing. Allele origin: unknown.
Comment: This variant is considered benign. This variant is a silent/synonymous amino acid change and it is not expected to impact splicing.

Labcorp Genetics (formerly Invitae), Labcorp
Classification: Likely benign. Last evaluated: 2024-11-03. Review status: criteria provided, single submitter. Criteria: Invitae Variant Classification Sherloc (09022015). Collection method: clinical testing. Allele origin: germline.

Ambry Genetics
Classification: Likely benign for Hereditary cancer-predisposing syndrome. Last evaluated: 2017-01-20. Review status: criteria provided, single submitter. Criteria: Ambry Variant Classification Scheme 2023. Collection method: clinical testing. Allele origin: germline.

NM_006231.4(POLE):c.894C>T (p.Tyr298=)

Gene: POLE (DNA polymerase epsilon, catalytic subunit; minus strand). Cytogenetic location: 12q24.33.
Variant type: single nucleotide variant.
Coding change: c.894C>T on transcript NM_006231.4 (MANE Select); coding-DNA position 894, C replaced by T.
Protein change: p.Tyr298=; no amino-acid change (tyrosine 298 retained).
Molecular consequence: synonymous variant.
Genome position (GRCh38, 1-based): chr12:132,676,561, G>A on the plus strand (C>T on the coding strand, the complement: POLE is on the minus strand). VCF-style: chr12-132676561-G-A. GRCh37 (hg19) VCF-style: chr12-133253147-G-A.
Identifiers: ClinVar variation 486968 (VCV000486968.15), dbSNP rs1555229404, ClinGen allele CA482723411.